The following is an entry in ClinVar:

NM_006206.6(PDGFRA):c.2966T>G (p.Ile989Ser)

Gene: PDGFRA (platelet derived growth factor receptor alpha; plus strand). Cytogenetic location: 4q12.
Variant type: single nucleotide variant.
Coding change: c.2966T>G on transcript NM_006206.6 (MANE Select); coding-DNA position 2966, T replaced by G.
Protein change: p.Ile989Ser; replaces isoleucine 989 with serine.
Molecular consequence: missense variant.
Genome position (GRCh38, 1-based): chr4:54,290,398, T>G. VCF-style: chr4-54290398-T-G. GRCh37 (hg19) VCF-style: chr4-55156565-T-G.
Other names: c.3041T>G, p.Ile1014Ser (NM_001347828.2); c.2966T>G, p.Ile989Ser (NM_001347829.2); c.3005T>G, p.Ile1002Ser (NM_001347830.2); short protein forms I989S, I1002S, I1014S.
Identifiers: ClinVar variation 1480329 (VCV001480329.8), dbSNP rs587778599, ClinGen allele CA356896086.

ClinVar aggregate classification (germline): Uncertain significance (1 of 4 stars; one submission).

Conditions:
Gastrointestinal stromal tumor. Also called: Gastrointestinal stroma tumor; Gastrointestinal stromal tumor, somatic. Identifiers: Orphanet 44890, MedGen C0238198, MeSH D046152, MONDO:0011719, OMIM 606764, HP:0100723.

Submission:

Labcorp Genetics (formerly Invitae), Labcorp
Classification: Uncertain significance for Gastrointestinal stromal tumor. Last evaluated: 2025-06-25. Review status: criteria provided, single submitter. Criteria: Invitae Variant Classification Sherloc (09022015). Collection method: clinical testing. Allele origin: germline.
Comment: This sequence change replaces isoleucine, which is neutral and non-polar, with serine, which is neutral and polar, at codon 989 of the PDGFRA protein (p.Ile989Ser). This variant is not present in population databases (gnomAD no frequency). This variant has not been reported in the literature in individuals affected with PDGFRA-related conditions. ClinVar contains an entry for this variant (Variation ID: 1480329). Invitae Evidence Modeling of protein sequence and biophysical properties (such as structural, functional, and spatial information, amino acid conservation, physicochemical variation, residue mobility, and thermodynamic stability) indicates that this missense variant is not expected to disrupt PDGFRA protein function with a negative predictive value of 80%. In summary, the available evidence is currently insufficient to determine the role of this variant in disease. Therefore, it has been classified as a Variant of Uncertain Significance.